The following is an entry in ClinVar:

ClinVar aggregate classification (germline): Likely pathogenic (1 of 4 stars; one submission).

gnomAD v4.1: 13 of 1,592,574 alleles (0.00082%); highest among the groups gnomAD compares: Non-Finnish European, 0.00086%; no homozygotes.

Submission:

Labcorp Genetics (formerly Invitae), Labcorp
Classification: Likely pathogenic. Last evaluated: 2025-07-16. Review status: criteria provided, single submitter. Criteria: Invitae Variant Classification Sherloc (09022015). Collection method: clinical testing. Allele origin: germline.
Comment: This sequence change affects a donor splice site in intron 3 of the RARS gene. It is expected to disrupt RNA splicing. Variants that disrupt the donor or acceptor splice site typically lead to a loss of protein function (PMID: 16199547), and loss-of-function variants in RARS are known to be pathogenic (PMID: 24777941). This variant is present in population databases (no rsID available, gnomAD 0.002%). This variant has not been reported in the literature in individuals affected with RARS-related conditions. Algorithms developed to predict the effect of sequence changes on RNA splicing suggest that this variant may disrupt the consensus splice site. In summary, the currently available evidence indicates that the variant is pathogenic, but additional data are needed to prove that conclusively. Therefore, this variant has been classified as Likely Pathogenic.

Literature cited by the submitters: PubMed 16199547; PubMed 24777941.

NM_002887.4(RARS1):c.369+1G>A

Gene: RARS1 (arginyl-tRNA synthetase 1; plus strand). Cytogenetic location: 5q34.
Variant type: single nucleotide variant.
Coding change: c.369+1G>A on transcript NM_002887.4 (MANE Select); the canonical splice donor site of the intron after coding-DNA position 369, G replaced by A.
Molecular consequence: splice donor variant.
Genome position (GRCh38, 1-based): chr5:168,492,848, G>A. VCF-style: chr5-168492848-G-A. GRCh37 (hg19) VCF-style: chr5-167919853-G-A.
Identifiers: ClinVar variation 4692958 (VCV004692958.1).